The following is an entry in ClinVar:

ClinVar aggregate classification (germline): Conflicting classifications of pathogenicity. Review status: criteria provided, conflicting classifications (1 of 4 stars). 2 submissions from 2 submitters: Uncertain significance (1); Likely benign (1). Last evaluated 2025-09-16.

Conditions:
Hereditary cancer-predisposing syndrome. Also called: Hereditary neoplastic syndrome; Tumor predisposition; Neoplastic Syndromes, Hereditary; Hereditary Cancer Syndrome. Identifiers: Orphanet 140162, MedGen C0027672, MeSH D009386, MONDO:0015356.
Tuberous sclerosis 2 (TSC2). Identifiers: Orphanet 805, MedGen C1860707, MONDO:0013199, OMIM 613254.

Allele frequency attached by ClinVar (database versions not stated): gnomAD exomes below 0.00001; TOPMed below 0.00001; gnomAD 0.00001.
gnomAD v4.1: 3 of 1,613,692 alleles (0.00019%); highest among the groups gnomAD compares: Non-Finnish European, 0.00025%; no homozygotes.

Submissions (2):

Labcorp Genetics (formerly Invitae), Labcorp
Classification: Uncertain significance for Tuberous sclerosis 2. Last evaluated: 2025-09-16. Review status: criteria provided, single submitter. Criteria: Invitae Variant Classification Sherloc (09022015). Collection method: clinical testing. Allele origin: germline.
Comment: This sequence change replaces methionine, which is neutral and non-polar, with valine, which is neutral and non-polar, at codon 60 of the TSC2 protein (p.Met60Val). This variant is not present in population databases (gnomAD no frequency). This variant has not been reported in the literature in individuals affected with TSC2-related conditions. ClinVar contains an entry for this variant (Variation ID: 854678). Invitae Evidence Modeling of protein sequence and biophysical properties (such as structural, functional, and spatial information, amino acid conservation, physicochemical variation, residue mobility, and thermodynamic stability) indicates that this missense variant is not expected to disrupt TSC2 protein function with a negative predictive value of 95%. In summary, the available evidence is currently insufficient to determine the role of this variant in disease. Therefore, it has been classified as a Variant of Uncertain Significance.

Ambry Genetics
Classification: Likely benign for Hereditary cancer-predisposing syndrome. Last evaluated: 2023-12-29. Review status: criteria provided, single submitter. Criteria: Ambry Variant Classification Scheme 2023. Collection method: clinical testing. Allele origin: germline.

NM_000548.5(TSC2):c.178A>G (p.Met60Val)

Gene: TSC2 (TSC complex subunit 2; plus strand). Cytogenetic location: 16p13.3.
Variant type: single nucleotide variant.
Coding change: c.178A>G on transcript NM_000548.5 (MANE Select); coding-DNA position 178, A replaced by G.
Protein change: p.Met60Val; replaces methionine 60 with valine.
Molecular consequence: missense variant. On other transcripts: 5 prime UTR variant (1).
Genome position (GRCh38, 1-based): chr16:2,050,439, A>G. VCF-style: chr16-2050439-A-G. GRCh37 (hg19) VCF-style: chr16-2100440-A-G.
Other names: c.178A>G, p.Met60Val (NM_001077183.3, NM_001114382.3, NM_001318827.2 and 4 more transcripts); c.31A>G, p.Met11Val (NM_001318829.2); c.-49A>G (NM_001318831.2); c.211A>G, p.Met71Val (NM_001318832.2); short protein forms M60V, M71V, M11V.
Identifiers: ClinVar variation 854678 (VCV000854678.10), dbSNP rs1053960780, ClinGen allele CA276769392.